The following is an entry in ClinVar:

ClinVar aggregate classification (germline): Benign. Review status: criteria provided, multiple submitters, no conflicts (2 of 4 stars). 2 submissions from 2 submitters: Benign (2). Last evaluated 2018-01-13.

Conditions:
Beta-D-mannosidosis (MANSB). Also called: LYSOSOMAL BETA-MANNOSIDASE DEFICIENCY; Beta-Mannosidosis; MANNOSIDOSIS, BETA A, LYSOSOMAL; BETA-MANNOSIDASE DEFICIENCY. Identifiers: Orphanet 118, MedGen C4048196, MONDO:0009562, OMIM 248510.

Allele frequency attached by ClinVar (database versions not stated): gnomAD exomes 0.04206; TOPMed 0.04095; gnomAD 0.04300 and 0.04355; 1000 Genomes Project 30x 0.04294; 1000 Genomes Project 0.04433.
gnomAD v4.1: 22,511 of 531,228 alleles (4.2%); highest among the groups gnomAD compares: East Asian, 4.8%; 491 homozygotes.

Submissions (2):

Illumina Laboratory Services, Illumina
Classification: Benign for Beta-D-mannosidosis. Last evaluated: 2018-01-13. Review status: criteria provided, single submitter. Criteria: ICSL Variant Classification Criteria 13 December 2019. Collection method: clinical testing. Allele origin: germline.
Comment: This variant was observed in the ICSL laboratory as part of a predisposition screen in an ostensibly healthy population. It had not been previously curated by ICSL or reported in the Human Gene Mutation Database (HGMD: prior to June 1st, 2018), and was therefore a candidate for classification through an automated scoring system. Utilizing variant allele frequency, disease prevalence and penetrance estimates, and inheritance mode, an automated score was calculated to assess if this variant is too frequent to cause the disease. Based on the score and internal cut-off values, a variant classified as benign is not then subjected to further curation. The score for this variant resulted in a classification of benign for this disease.

Breakthrough Genomics
Classification: Benign. Review status: criteria provided, single submitter. Criteria: ACMG Guidelines, 2015. Collection method: not provided. Allele origin: germline. Inheritance: Autosomal recessive inheritance. Affected: yes.

NM_005908.4(MANBA):c.*356G>A

Gene: MANBA (mannosidase beta; minus strand). Cytogenetic location: 4q24.
Variant type: single nucleotide variant.
Coding change: c.*356G>A on transcript NM_005908.4 (MANE Select); 356 bases downstream of the stop codon, G replaced by A.
Molecular consequence: 3 prime UTR variant.
Genome position (GRCh38, 1-based): chr4:102,631,701, C>T on the plus strand (G>A on the coding strand, the complement: MANBA is on the minus strand). VCF-style: chr4-102631701-C-T. GRCh37 (hg19) VCF-style: chr4-103552858-C-T.
Identifiers: ClinVar variation 347069 (VCV000347069.6), dbSNP rs7672268, ClinGen allele CA10619783.
Genomic context (GRCh38, chr4:102,631,701, plus strand): 5'-TTTATTTGAGTATTCCGTATTCCCCAAAGCTAGCTGTGAAAGACCTACATCACCTCAAAA[C>T]CTTCCATTTGGTTCCATAGATCCTGCCATGTCACATTCTTGTAACCAGCTGCAGGGCCAT-3'